The following is an entry in ClinVar:

ClinVar aggregate classification (germline): Uncertain significance (1 of 4 stars; one submission).

Conditions:
Hereditary cancer-predisposing syndrome. Also called: Neoplastic Syndromes, Hereditary; Tumor predisposition; Hereditary neoplastic syndrome; Hereditary Cancer Syndrome. Identifiers: Orphanet 140162, MedGen C0027672, MeSH D009386, MONDO:0015356.

gnomAD v4.1: 1 of 1,614,052 alleles (0.000062%); highest among the groups gnomAD compares: East Asian, 0.0022%; no homozygotes.

Submission:

Ambry Genetics
Classification: Uncertain significance for Hereditary cancer-predisposing syndrome. Last evaluated: 2026-08-20. Review status: criteria provided, single submitter. Criteria: Ambry Variant Classification Scheme 2023. Collection method: clinical testing. Allele origin: germline.
Comment: The p.G97R variant (also known as c.289G>A), located in coding exon 2 of the SMARCA4 gene, results from a G to A substitution at nucleotide position 289. The glycine at codon 97 is replaced by arginine, an amino acid with dissimilar properties. This amino acid position is conserved. In addition, the in silico prediction for this alteration is inconclusive. Based on the available evidence, the clinical significance of this variant remains unclear.

NM_003072.5(SMARCA4):c.289G>A (p.Gly97Arg)

Gene: SMARCA4 (SWI/SNF related BAF chromatin remodeling complex subunit ATPase 4; plus strand). Cytogenetic location: 19p13.2.
Variant type: single nucleotide variant.
Coding change: c.289G>A on transcript NM_003072.5 (MANE Select); coding-DNA position 289, G replaced by A.
Protein change: p.Gly97Arg; replaces glycine 97 with arginine.
Molecular consequence: missense variant. On other transcripts: non-coding transcript variant (1).
Genome position (GRCh38, 1-based): chr19:10,985,339, G>A. VCF-style: chr19-10985339-G-A. GRCh37 (hg19) VCF-style: chr19-11096015-G-A.
Other names: c.289G>A, p.Gly97Arg (NM_001128844.3, NM_001128845.2, NM_001128846.2 and 6 more transcripts); short protein forms G97R.
Identifiers: ClinVar variation 5029886 (VCV005029886.1).